The following is an entry in ClinVar:

NM_002691.4(POLD1):c.1016C>A (p.Ser339Ter)

Gene: POLD1 (DNA polymerase delta 1, catalytic subunit; plus strand). Cytogenetic location: 19q13.33.
Variant type: single nucleotide variant.
Coding change: c.1016C>A on transcript NM_002691.4 (MANE Select); coding-DNA position 1016, C replaced by A.
Protein change: p.Ser339Ter; replaces serine 339 with a stop codon.
Molecular consequence: nonsense. On other transcripts: non-coding transcript variant (1).
Genome position (GRCh38, 1-based): chr19:50,403,098, C>A. VCF-style: chr19-50403098-C-A. GRCh37 (hg19) VCF-style: chr19-50906355-C-A.
Other names: c.1016C>A, p.Ser339Ter (NM_001256849.1, NM_001308632.1); short protein forms S339*.
Identifiers: ClinVar variation 2790158 (VCV002790158.3), dbSNP rs866500487, ClinGen allele CA309601308.

ClinVar aggregate classification (germline): Uncertain significance (1 of 4 stars; one submission).

Conditions:
POLD1-related polyposis and colorectal cancer syndrome (CRCS10). Also called: Colorectal cancer 10; Colorectal cancer, susceptibility to, 10; COLORECTAL CANCER, SUSCEPTIBILITY TO, ON CHROMOSOME 19q. Identifiers: Orphanet 220460, MedGen C2675481, MONDO:0012953, OMIM 612591.

gnomAD v4.1: 10 of 1,565,020 alleles (0.00064%); highest among the groups gnomAD compares: Non-Finnish European, 0.00087%; no homozygotes.

Submission:

Labcorp Genetics (formerly Invitae), Labcorp
Classification: Uncertain significance for POLD1-related polyposis and colorectal cancer syndrome. Last evaluated: 2022-12-08. Review status: criteria provided, single submitter. Criteria: Invitae Variant Classification Sherloc (09022015). Collection method: clinical testing. Allele origin: germline.
Comment: This sequence change creates a premature translational stop signal (p.Ser339*) in the POLD1 gene. Missense variants that disrupt the 3'-5' exonuclease (proof-reading) activity of the POLD1 protein, are associated with an increased risk for colonic adenomatous polyps and colon cancer (PMID: 23263490, 23447401). However loss-of-function variants, which result in an absent or severely disrupted POLD1 protein, and missense variants outside the exonuclease domain, are unlikely to be associated with polyposis or colon cancer. This variant is not present in population databases (gnomAD no frequency). This variant has not been reported in the literature in individuals affected with POLD1-related conditions. In summary, the available evidence is currently insufficient to determine the role of this variant in disease. Therefore, it has been classified as a Variant of Uncertain Significance.

Literature cited by the submitters: PubMed 23263490; PubMed 23447401.